The following is an entry in ClinVar:

NM_001408.3(CELSR2):c.4319C>G (p.Ser1440Cys)

Gene: CELSR2 (cadherin EGF LAG seven-pass G-type receptor 2; plus strand). Cytogenetic location: 1p13.3.
Variant type: single nucleotide variant.
Coding change: c.4319C>G on transcript NM_001408.3 (MANE Select); coding-DNA position 4319, C replaced by G.
Protein change: p.Ser1440Cys; replaces serine 1440 with cysteine.
Molecular consequence: missense variant.
Genome position (GRCh38, 1-based): chr1:109,261,829, C>G. VCF-style: chr1-109261829-C-G. GRCh37 (hg19) VCF-style: chr1-109804451-C-G.
Other names: short protein forms S1440C.
Identifiers: ClinVar variation 3625141 (VCV003625141.3).

ClinVar aggregate classification (germline): Uncertain significance (1 of 4 stars; one submission).

gnomAD v4.1: 5 of 1,594,816 alleles (0.00031%); highest among the groups gnomAD compares: East Asian, 0.011%; no homozygotes.

Submissions (2):

Labcorp Genetics (formerly Invitae), Labcorp
Classification: Uncertain significance. Last evaluated: 2025-01-27. Review status: criteria provided, single submitter. Criteria: Invitae Variant Classification Sherloc (09022015). Collection method: clinical testing. Allele origin: germline.
Comment: This sequence change replaces serine, which is neutral and polar, with cysteine, which is neutral and slightly polar, at codon 1440 of the CELSR2 protein (p.Ser1440Cys). This variant is not present in population databases (gnomAD no frequency). This variant has not been reported in the literature in individuals affected with CELSR2-related conditions. Invitae Evidence Modeling of protein sequence and biophysical properties (such as structural, functional, and spatial information, amino acid conservation, physicochemical variation, residue mobility, and thermodynamic stability) has been performed for this missense variant. However, the output from this modeling did not meet the statistical confidence thresholds required to predict the impact of this variant on CELSR2 protein function. In summary, the available evidence is currently insufficient to determine the role of this variant in disease. Therefore, it has been classified as a Variant of Uncertain Significance.

Dr. Peter K. Rogan Lab, Western University
No classification provided (evidence only). Condition: Gastric cancer. Review status: no classification provided. Collection method: in vitro. Allele origin: not applicable. Functional consequence: retained intron. Not counted in ClinVar's aggregate classification.